The following is an entry in ClinVar:

NM_001384474.1(LOXHD1):c.2235_2242del (p.Asn745fs)

Gene: LOXHD1 (lipoxygenase homology PLAT domains 1; minus strand). Cytogenetic location: 18q21.1.
Variant type: Deletion.
Coding change: c.2235_2242del on transcript NM_001384474.1 (MANE Select); coding-DNA positions 2235 to 2242, 8 bases deleted (CATTGGAA; older notation c.2235_2242delCATTGGAA).
Protein change: p.Asn745fs; shifts the reading frame from asparagine 745.
Molecular consequence: frameshift variant.
Genome position (GRCh38, 1-based): chr18:46,569,444-46,569,451, TTCCAATG deleted on the plus strand (CATTGGAA on the coding strand, the reverse complement: LOXHD1 is on the minus strand); deleting any 8 consecutive bases within chr18:46,569,444-46,569,454 gives the same sequence; the c. name uses the placement nearest the transcript's 3' end. VCF-style (leftmost placement, unchanged base first): chr18-46569443-TTTCCAATG-T. GRCh37 (hg19) VCF-style: chr18-44149406-TTTCCAATG-T.
Other names: c.2235_2242del, p.Asn745fs (NM_144612.7); c.2235_2242del (NM_144612.6); short protein forms N745fs.
Identifiers: ClinVar variation 2841055 (VCV002841055.6), dbSNP rs2511858596, ClinGen allele CA2739268721.

ClinVar aggregate classification (germline): Pathogenic/Likely pathogenic. Review status: criteria provided, multiple submitters, no conflicts (2 of 4 stars). 3 submissions from 3 submitters: Pathogenic (1); Likely pathogenic (2). Last evaluated 2025-02-12.

Conditions:
Autosomal recessive nonsyndromic hearing loss 77. Identifiers: Orphanet 90636, MedGen C2746083, MONDO:0013119, OMIM 613079.

Submissions (3):

Natera, Inc.
Classification: Likely pathogenic for Autosomal recessive deafness type 77. Last evaluated: 2025-02-12. Review status: criteria provided, single submitter. Criteria: Natera Variant Classification Schema (03/2026). Collection method: clinical testing. Allele origin: germline.
Comment: The c.2235_2242del variant in LOXHD1 is a frameshift variant predicted to shift the reading frame beginning at codon 745 and leads to a stop codon 10 codons downstream. This variant is expected to result in nonsense mediated decay, truncation, or a dysfunctional protein product. This variant is rare in the general population with a frequency below the threshold expected for the associated phenotype(s). Given the available evidence, this variant is classified as Likely Pathogenic.

Fulgent Genetics
Classification: Likely pathogenic for Autosomal recessive nonsyndromic hearing loss 77. Last evaluated: 2024-06-05. Review status: criteria provided, single submitter. Criteria: ACMG Guidelines, 2015. Collection method: clinical testing. Allele origin: germline.

Labcorp Genetics (formerly Invitae), Labcorp
Classification: Pathogenic. Last evaluated: 2023-02-26. Review status: criteria provided, single submitter. Criteria: Invitae Variant Classification Sherloc (09022015). Collection method: clinical testing. Allele origin: germline.
Comment: For these reasons, this variant has been classified as Pathogenic. This variant has not been reported in the literature in individuals affected with LOXHD1-related conditions. This variant is not present in population databases (gnomAD no frequency). This sequence change creates a premature translational stop signal (p.Asn745Lysfs*10) in the LOXHD1 gene. It is expected to result in an absent or disrupted protein product. Loss-of-function variants in LOXHD1 are known to be pathogenic (PMID: 19732867, 21465660, 25792669).

Literature cited by the submitters: PubMed 19732867 (cited by Labcorp Genetics (formerly Invitae), Labcorp); PubMed 21465660 (cited by Labcorp Genetics (formerly Invitae), Labcorp); PubMed 25792669 (cited by Labcorp Genetics (formerly Invitae), Labcorp).